The following is an entry in ClinVar:

NM_003000.3(SDHB):c.532G>C (p.Glu178Gln)

Gene: SDHB (succinate dehydrogenase complex iron sulfur subunit B; minus strand). Cytogenetic location: 1p36.13.
Variant type: single nucleotide variant.
Coding change: c.532G>C on transcript NM_003000.3 (MANE Select); coding-DNA position 532, G replaced by C.
Protein change: p.Glu178Gln; replaces glutamic acid 178 with glutamine.
Molecular consequence: missense variant.
Genome position (GRCh38, 1-based): chr1:17,027,757, C>G on the plus strand (G>C on the coding strand, the complement: SDHB is on the minus strand). VCF-style: chr1-17027757-C-G. GRCh37 (hg19) VCF-style: chr1-17354252-C-G.
Other names: c.532G>C (NM_003000.2); short protein forms E178Q.
Identifiers: ClinVar variation 1037177 (VCV001037177.6), dbSNP rs2077999285, ClinGen allele CA338272453.

ClinVar aggregate classification (germline): Uncertain significance. Review status: criteria provided, multiple submitters, no conflicts (2 of 4 stars). 2 submissions from 2 submitters: Uncertain significance (2). Last evaluated 2025-05-02.

Conditions:
Pheochromocytoma. Also called: MAX-Related Hereditary Paraganglioma-Pheochromocytoma Syndrome. Identifiers: Orphanet 29072, MedGen C0031511, MONDO:0008233, OMIM 171300, HP:0002666.
Gastrointestinal stromal tumor. Also called: Gastrointestinal stromal tumor, somatic; Gastrointestinal stroma tumor. Identifiers: Orphanet 44890, MedGen C0238198, MeSH D046152, MONDO:0011719, OMIM 606764, HP:0100723.
Pheochromocytoma/paraganglioma syndrome 4. Also called: CAROTID BODY TUMORS AND MULTIPLE EXTRAADRENAL PHEOCHROMOCYTOMAS; SDHB-Related Hereditary Paraganglioma-Pheochromocytoma Syndrome (Paragangliomas 4); Paragangliomas 4; SDHB-Related Hereditary Paraganglioma-Pheochromocytoma Syndrome; PARAGANGLIOMA, FAMILIAL MALIGNANT; PARAGANGLIOMAS, HEREDITARY EXTRAADRENAL. Identifiers: Orphanet 29072, MedGen C1861848, MONDO:0007273, OMIM 115310.
Hereditary cancer-predisposing syndrome. Also called: Tumor predisposition; Neoplastic Syndromes, Hereditary; Hereditary neoplastic syndrome; Hereditary Cancer Syndrome. Identifiers: Orphanet 140162, MedGen C0027672, MeSH D009386, MONDO:0015356.

Allele frequency attached by ClinVar (database versions not stated): gnomAD exomes below 0.00001; TOPMed below 0.00001.
gnomAD v4.1: 2 of 1,580,310 alleles (0.00013%); highest among the groups gnomAD compares: Non-Finnish European, 0.00017%; no homozygotes.

Submissions (2):

Ambry Genetics
Classification: Uncertain significance for Hereditary cancer-predisposing syndrome. Last evaluated: 2025-05-02. Review status: criteria provided, single submitter. Criteria: Ambry Variant Classification Scheme 2023. Collection method: clinical testing. Allele origin: germline.
Comment: The p.E178Q variant (also known as c.532G>C), located in coding exon 5 of the SDHB gene, results from a G to C substitution at nucleotide position 532. The glutamic acid at codon 178 is replaced by glutamine, an amino acid with highly similar properties. This amino acid position is conserved. In addition, the in silico prediction for this alteration is inconclusive. Based on the available evidence, the clinical significance of this variant remains unclear.

Labcorp Genetics (formerly Invitae), Labcorp
Classification: Uncertain significance for Gastrointestinal stromal tumor; Pheochromocytoma/paraganglioma syndrome 4; Pheochromocytoma. Last evaluated: 2020-06-15. Review status: criteria provided, single submitter. Criteria: Invitae Variant Classification Sherloc (09022015). Collection method: clinical testing. Allele origin: germline.
Comment: This sequence change replaces glutamic acid with glutamine at codon 178 of the SDHB protein (p.Glu178Gln). The glutamic acid residue is moderately conserved and there is a small physicochemical difference between glutamic acid and glutamine. This variant is not present in population databases (ExAC no frequency). This variant has not been reported in the literature in individuals with SDHB-related conditions. Algorithms developed to predict the effect of missense changes on protein structure and function (SIFT, PolyPhen-2, Align-GVGD) all suggest that this variant is likely to be tolerated, but these predictions have not been confirmed by published functional studies and their clinical significance is uncertain. In summary, the available evidence is currently insufficient to determine the role of this variant in disease. Therefore, it has been classified as a Variant of Uncertain Significance.